The following is an entry in ClinVar:

ClinVar aggregate classification (germline): Pathogenic/Likely pathogenic. Review status: criteria provided, multiple submitters, no conflicts (2 of 4 stars). 5 submissions from 5 submitters: Pathogenic (3); Likely pathogenic (1). 1 of the submissions does not count toward it. Last evaluated 2024-07-16.

Conditions:
Hereditary cancer-predisposing syndrome. Also called: Hereditary Cancer Syndrome; Neoplastic Syndromes, Hereditary; Tumor predisposition; Hereditary neoplastic syndrome. Identifiers: Orphanet 140162, MedGen C0027672, MeSH D009386, MONDO:0015356.
Familial cancer of breast. Also called: BREAST CANCER, FAMILIAL; Hereditary breast cancer; hereditary breast carcinoma. Identifiers: Orphanet 227535, MedGen C0346153, MONDO:0016419, OMIM 114480. Disease mechanism: loss of function.
Ataxia-telangiectasia syndrome (AT). Also called: Cerebello-oculocutaneous telangiectasia; Immunodeficiency with ataxia telangiectasia; Ataxia-telangiectasia, complementation group E; Ataxia-telangiectasia, complementation group D; AT, COMPLEMENTATION GROUP C; ATAXIA-TELANGIECTASIA, COMPLEMENTATION GROUP A. Identifiers: Orphanet 100, MedGen C0004135, MONDO:0008840, OMIM 208900.

Submissions (5):

Ambry Genetics
Classification: Pathogenic for Hereditary cancer-predisposing syndrome. Last evaluated: 2024-07-16. Review status: criteria provided, single submitter. Criteria: Ambry Variant Classification Scheme 2023. Collection method: clinical testing. Allele origin: germline.
Comment: The c.6325dupT pathogenic mutation, located in coding exon 42 of the ATM gene, results from a duplication of T at nucleotide position 6325, causing a translational frameshift with a predicted alternate stop codon (p.W2109Lfs*18). This alteration is expected to result in loss of function by premature protein truncation or nonsense-mediated mRNA decay. As such, this alteration is interpreted as a disease-causing mutation.

Myriad Genetics, Inc.
Classification: Pathogenic for Familial cancer of breast. Last evaluated: 2024-01-29. Review status: criteria provided, single submitter. Criteria: Myriad Autosomal Dominant, Autosomal Recessive and X-Linked Classification Criteria (2023). Collection method: clinical testing. Allele origin: unknown.
Comment: This variant is considered pathogenic. This variant creates a frameshift predicted to result in premature protein truncation.

Labcorp Genetics (formerly Invitae), Labcorp
Classification: Pathogenic for Ataxia-telangiectasia syndrome. Last evaluated: 2023-12-05. Review status: criteria provided, single submitter. Criteria: Invitae Variant Classification Sherloc (09022015). Collection method: clinical testing. Allele origin: germline.
Comment: This sequence change creates a premature translational stop signal (p.Trp2109Leufs*18) in the ATM gene. It is expected to result in an absent or disrupted protein product. Loss-of-function variants in ATM are known to be pathogenic (PMID: 23807571, 25614872). This variant is not present in population databases (gnomAD no frequency). This variant has not been reported in the literature in individuals affected with ATM-related conditions. ClinVar contains an entry for this variant (Variation ID: 556330). For these reasons, this variant has been classified as Pathogenic.

Women's Health and Genetics/Laboratory Corporation of America, LabCorp
Classification: Likely pathogenic for Ataxia-telangiectasia syndrome. Last evaluated: 2021-08-13. Review status: criteria provided, single submitter. Criteria: LabCorp Variant Classification Summary - May 2015. Collection method: clinical testing. Allele origin: germline.
Comment: Variant summary: ATM c.6325dupT (p.Trp2109LeufsX18) results in a premature termination codon, predicted to cause a truncation of the encoded protein or absence of the protein due to nonsense mediated decay, which are commonly known mechanisms for disease. Truncations downstream of this position have been classified as pathogenic by our laboratory. The variant was absent in 250918 control chromosomes (gnomAD). To our knowledge, no occurrence of c.6325dupT in individuals affected with Ataxia-Telangiectasia and no experimental evidence demonstrating its impact on protein function have been reported. Two clinical diagnostic laboratories have submitted clinical-significance assessments for this variant to ClinVar after 2014 without evidence for independent evaluation, and both of them classified the variant as pathogenic/likely pathogenic. Based on the evidence outlined above, the variant was classified as likely pathogenic.

Counsyl
Classification: Likely pathogenic for Ataxia-telangiectasia syndrome. Last evaluated: 2018-01-29. Review status: no assertion criteria provided. Collection method: clinical testing. Allele origin: unknown. Not counted in ClinVar's aggregate classification.

Literature cited by the submitters: PubMed 23807571 (cited by Labcorp Genetics (formerly Invitae), Labcorp); PubMed 25614872 (cited by Labcorp Genetics (formerly Invitae), Labcorp).

NM_000051.4(ATM):c.6325dup (p.Trp2109fs)

Genes: ATM (ATM serine/threonine kinase; plus strand), C11orf65 (chromosome 11 open reading frame 65; minus strand). Cytogenetic location: 11q22.3.
Variant type: Duplication.
Coding change: c.6325dup on transcript NM_000051.4 (MANE Select); coding-DNA position 6325, one base duplicated (T; older notation c.6325dupT).
Protein change: p.Trp2109fs; shifts the reading frame from tryptophan 2109.
Molecular consequence: frameshift variant. On other transcripts: intron variant (2).
Genome position (GRCh38, 1-based): chr11:108,317,499, T duplicated. VCF-style (leftmost placement, unchanged base first): chr11-108317498-G-GT. GRCh37 (hg19) VCF-style: chr11-108188225-G-GT.
Other names: c.6325dup, p.Trp2109fs (NM_001351834.2); c.641-8428dup (NM_001330368.2); c.*39-8428dup (NM_001351110.2); c.6325dupT (NM_000051.3); short protein forms W2109fs.
Identifiers: ClinVar variation 556330 (VCV000556330.15), dbSNP rs1555114812, ClinGen allele CA658822141.
Genomic context (GRCh38, chr11:108,317,498, plus strand): 5'-TAAAGACTGGTGTCCTGAACTAGAAGAACTTCATTACCAAGCAGCATGGAGGAATATGCA[G>GT]TGGGACCATTGCACTTCCGTCAGGTAAGAAATTTGACTTGATTTTTTTTTTTTTGCCTCT-3'